The following is an entry in ClinVar:

ClinVar aggregate classification (germline): Pathogenic (1 of 4 stars; one submission).

Conditions:
Neurofibromatosis, type 1 (NF1). Also called: NEUROFIBROMATOSIS, TYPE I, SOMATIC; Neurofibromatosis, type I; Peripheral type neurofibromatosis; VON RECKLINGHAUSEN DISEASE. Identifiers: Orphanet 636, MedGen C0027831, MONDO:0018975, OMIM 162200. Disease mechanism: loss of function.

Submission:

Labcorp Genetics (formerly Invitae), Labcorp
Classification: Pathogenic for Neurofibromatosis, type 1. Last evaluated: 2022-02-18. Review status: criteria provided, single submitter. Criteria: Invitae Variant Classification Sherloc (09022015). Collection method: clinical testing. Allele origin: germline.
Comment: For these reasons, this variant has been classified as Pathogenic. This variant has not been reported in the literature in individuals affected with NF1-related conditions. This variant is not present in population databases (gnomAD no frequency). This sequence change creates a premature translational stop signal (p.Thr915Profs*9) in the NF1 gene. It is expected to result in an absent or disrupted protein product. Loss-of-function variants in NF1 are known to be pathogenic (PMID: 10712197, 23913538).

Literature cited by the submitters: PubMed 10712197; PubMed 23913538.

NM_001042492.3(NF1):c.2742del (p.Thr915fs)

Gene: NF1 (neurofibromin 1; plus strand). Cytogenetic location: 17q11.2.
Variant type: Deletion.
Coding change: c.2742del on transcript NM_001042492.3 (MANE Select); coding-DNA position 2742, one base deleted (G; older notation c.2742delG).
Protein change: p.Thr915fs; shifts the reading frame from threonine 915.
Molecular consequence: frameshift variant.
Genome position (GRCh38, 1-based): chr17:31,229,357, G deleted; the last of 2 consecutive G bases (chr17:31,229,356-31,229,357); deleting either gives the same sequence. VCF-style (leftmost placement, unchanged base first): chr17-31229355-CG-C. GRCh37 (hg19) VCF-style: chr17-29556373-CG-C.
Other names: c.2742delG, p.Thr915Profs (NM_000267.4); short protein forms T915fs.
Identifiers: ClinVar variation 2098653 (VCV002098653.4), dbSNP rs2508187874, ClinGen allele CA2580093370.
Genomic context (GRCh38, chr17:31,229,355, plus strand): 5'-TTTATGGATCGGCTGTTGTCCTTAATGGTGTGTAACCATGAGAAAGTGGGACTTCAAATA[CG>C]GACCAATGTTAAGGATCTGGTGGGTCTAGAATTGAGTCCTGCTCTGTATCCAATGCTATT-3'